The following is an entry in ClinVar:

NM_022166.4(XYLT1):c.139G>C (p.Gly47Arg)

Gene: XYLT1 (xylosyltransferase 1; minus strand). Cytogenetic location: 16p12.3.
Variant type: single nucleotide variant.
Coding change: c.139G>C on transcript NM_022166.4 (MANE Select); coding-DNA position 139, G replaced by C.
Protein change: p.Gly47Arg; replaces glycine 47 with arginine.
Molecular consequence: missense variant.
Genome position (GRCh38, 1-based): chr16:17,470,658, C>G on the plus strand (G>C on the coding strand, the complement: XYLT1 is on the minus strand). VCF-style: chr16-17470658-C-G. GRCh37 (hg19) VCF-style: chr16-17564515-C-G.
Other names: short protein forms G47R.
Identifiers: ClinVar variation 639251 (VCV000639251.6), dbSNP rs760732431, ClinGen allele CA7928289.

ClinVar aggregate classification (germline): Uncertain significance. Review status: criteria provided, multiple submitters, no conflicts (2 of 4 stars). 3 submissions from 3 submitters: Uncertain significance (3). Last evaluated 2023-10-03.

Conditions:
Desbuquois dysplasia 1 (DBQD1). Also called: MICROMELIC DWARFISM WITH VERTEBRAL AND METAPHYSEAL ABNORMALITIES AND ADVANCED CARPOTARSAL OSSIFICATION; DESBUQUOIS DYSPLASIA 1, KIM VARIANT. Identifiers: Orphanet 1425, MedGen C4012146, MONDO:0009629, OMIM 251450.
Inborn genetic diseases. Identifiers: MedGen C0950123, MeSH D030342.

Allele frequency attached by ClinVar (database versions not stated): gnomAD 0.00007; TOPMed 0.00007; gnomAD exomes 0.00015; ExAC 0.00076.

Submissions (3):

Labcorp Genetics (formerly Invitae), Labcorp
Classification: Uncertain significance for Desbuquois dysplasia 1. Last evaluated: 2023-10-03. Review status: criteria provided, single submitter. Criteria: Invitae Variant Classification Sherloc (09022015). Collection method: clinical testing. Allele origin: germline.
Comment: This sequence change replaces glycine, which is neutral and non-polar, with arginine, which is basic and polar, at codon 47 of the XYLT1 protein (p.Gly47Arg). This variant is present in population databases (rs760732431, gnomAD 0.04%). This variant has not been reported in the literature in individuals affected with XYLT1-related conditions. ClinVar contains an entry for this variant (Variation ID: 639251). Experimental studies and prediction algorithms are not available or were not evaluated, and the functional significance of this variant is currently unknown. In summary, the available evidence is currently insufficient to determine the role of this variant in disease. Therefore, it has been classified as a Variant of Uncertain Significance.

Ambry Genetics
Classification: Uncertain significance for Inborn genetic diseases. Last evaluated: 2021-08-16. Review status: criteria provided, single submitter. Criteria: Ambry Variant Classification Scheme 2023. Collection method: clinical testing. Allele origin: germline.

Breakthrough Genomics
Classification: Uncertain significance. Review status: criteria provided, single submitter. Criteria: ACMG Guidelines, 2015. Collection method: not provided. Allele origin: germline. Inheritance: Autosomal recessive inheritance. Affected: yes.